The following is an entry in ClinVar:

NM_001205293.3(CACNA1E):c.1308C>G (p.Ser436=)

Gene: CACNA1E (calcium voltage-gated channel subunit alpha1 E; plus strand). Cytogenetic location: 1q25.3.
Variant type: single nucleotide variant.
Coding change: c.1308C>G on transcript NM_001205293.3 (MANE Select); coding-DNA position 1308, C replaced by G.
Protein change: p.Ser436=; no amino-acid change (serine 436 retained).
Molecular consequence: synonymous variant.
Genome position (GRCh38, 1-based): chr1:181,716,122, C>G. VCF-style: chr1-181716122-C-G. GRCh37 (hg19) VCF-style: chr1-181685258-C-G.
Other names: p.Ser436=; c.1308C>G, p.Ser436= (NM_000721.4, NM_001205294.2).
Identifiers: ClinVar variation 1170815 (VCV001170815.37), dbSNP rs114088252, ClinGen allele CA1275088.
Genomic context (GRCh38, chr1:181,716,122, plus strand): 5'-GAGGAGCCGGACAGAGGCCATGACTCGAGACTCCAGTGATGAGCACTGTGTTGATATCTC[C>G]TCTGTGGGTGAGTGGATCCAGTTAGATCTTTTACTGCTCTGAATCTCCCACGAAAAGGAA-3'
Protein context (NP_001192222.1, residues 426-446): DSSDEHCVDI[Ser436=]SVGTPLARAS

ClinVar aggregate classification (germline): Benign/Likely benign. Review status: criteria provided, multiple submitters, no conflicts (2 of 4 stars). 8 submissions from 8 submitters: Benign (3); Likely benign (5). Last evaluated 2026-02-01.

Conditions:
Developmental and epileptic encephalopathy, 69. Also called: EPILEPTIC ENCEPHALOPATHY, EARLY INFANTILE, 69. Identifiers: MedGen C4748988, MONDO:0032657, OMIM 618285.

Allele frequency attached by ClinVar (database versions not stated): gnomAD exomes 0.00041 and 0.00082; ExAC 0.00176; 1000 Genomes Project 0.00260; 1000 Genomes Project 30x 0.00297; gnomAD 0.00360 and 0.00386; TOPMed 0.00385; ESP Exome Variant Server 0.00410.
gnomAD v4.1: 1,144 of 1,555,984 alleles (0.074%); highest among the groups gnomAD compares: African/African-American, 1.4%; 11 homozygotes.

Submissions (8):

CeGaT Center for Human Genetics Tuebingen
Classification: Likely benign. Last evaluated: 2026-02-01. Review status: criteria provided, single submitter. Criteria: CeGaT Center For Human Genetics Tuebingen Variant Classification Criteria Version 2. Collection method: clinical testing. Allele origin: germline. Affected: yes. Observed: 8 variant alleles.
Comment: CACNA1E: BP4, BP7, BS1

Labcorp Genetics (formerly Invitae), Labcorp
Classification: Benign. Last evaluated: 2026-01-31. Review status: criteria provided, single submitter. Criteria: Invitae Variant Classification Sherloc (09022015). Collection method: clinical testing. Allele origin: germline.

Blueprint Genetics
Classification: Likely benign. Last evaluated: 2024-11-25. Review status: criteria provided, single submitter. Criteria: ACMG Guidelines, 2015. Collection method: clinical testing. Allele origin: germline.

Genome-Nilou Lab
Classification: Benign for Developmental and epileptic encephalopathy, 69. Last evaluated: 2023-04-11. Review status: criteria provided, single submitter. Criteria: ACMG Guidelines, 2015. Collection method: clinical testing. Allele origin: germline. Affected: no.

Mayo Clinic Laboratories, Mayo Clinic
Classification: Benign. Last evaluated: 2023-04-05. Review status: criteria provided, single submitter. Criteria: ACMG Guidelines, 2015. Collection method: clinical testing. Allele origin: germline. Observed: 2 variant alleles.
Comment: BS1, BS2, BP4, BP7

Fulgent Genetics
Classification: Likely benign for Developmental and epileptic encephalopathy, 69. Last evaluated: 2022-05-29. Review status: criteria provided, single submitter. Criteria: ACMG Guidelines, 2015. Collection method: clinical testing. Allele origin: unknown.

GeneDx
Classification: Likely benign. Last evaluated: 2021-04-08. Review status: criteria provided, single submitter. Criteria: GeneDx Variant Classification Process June 2021. Collection method: clinical testing. Allele origin: germline. Affected: yes.

Breakthrough Genomics
Classification: Likely benign. Review status: criteria provided, single submitter. Criteria: ACMG Guidelines, 2015. Collection method: not provided. Allele origin: germline. Inheritance: Autosomal dominant inheritance. Affected: yes.